The following is an entry in ClinVar:

ClinVar aggregate classification (germline): Uncertain significance (1 of 4 stars; one submission).

Submission:

Labcorp Genetics (formerly Invitae), Labcorp
Classification: Uncertain significance. Last evaluated: 2022-05-27. Review status: criteria provided, single submitter. Criteria: Invitae Variant Classification Sherloc (09022015). Collection method: clinical testing. Allele origin: germline.
Comment: This sequence change falls in intron 13 of the EYS gene. It does not directly change the encoded amino acid sequence of the EYS protein. This variant is not present in population databases (gnomAD no frequency). This variant has not been reported in the literature in individuals affected with EYS-related conditions. Algorithms developed to predict the effect of sequence changes on RNA splicing suggest that this variant may create or strengthen a splice site. In summary, the available evidence is currently insufficient to determine the role of this variant in disease. Therefore, it has been classified as a Variant of Uncertain Significance.

NM_001142800.2(EYS):c.2138-20_2138-16del

Gene: EYS (eyes shut homolog; minus strand). Cytogenetic location: 6q12.
Variant type: Deletion.
Coding change: c.2138-20_2138-16del on transcript NM_001142800.2 (MANE Select); 20 bases into the intron before coding-DNA position 2138 through 16 bases into the intron before coding-DNA position 2138, 5 bases deleted (CTCTT; older notation c.2138-20_2138-16delCTCTT).
Molecular consequence: intron variant.
Genome position (GRCh38, 1-based): chr6:64,997,719-64,997,723, AAGAG deleted on the plus strand (CTCTT on the coding strand, the reverse complement: EYS is on the minus strand); deleting any 5 consecutive bases within chr6:64,997,719-64,997,725 gives the same sequence; the c. name uses the placement nearest the transcript's 3' end. VCF-style (leftmost placement, unchanged base first): chr6-64997718-AAAGAG-A. GRCh37 (hg19) VCF-style: chr6-65707611-AAAGAG-A.
Other names: c.2138-20_2138-16del (NM_001292009.2).
Identifiers: ClinVar variation 2193480 (VCV002193480.1), dbSNP rs2533575172, ClinGen allele CA2580075665.